The following is an entry in ClinVar:

ClinVar aggregate classification (germline): Uncertain significance. Review status: criteria provided, multiple submitters, no conflicts (2 of 4 stars). 2 submissions from 2 submitters: Uncertain significance (2). Last evaluated 2024-09-08.

Conditions:
Cardiovascular phenotype. Identifiers: MedGen CN230736.
Cholestanol storage disease (CTX). Also called: CEREBRAL CHOLESTERINOSIS; CTX: Cerebrotendinous xanthomatosis; Cerebrotendinous Xanthomatosis. Identifiers: Orphanet 909, MedGen C0238052, MONDO:0008948, OMIM 213700.

Submissions (2):

Ambry Genetics
Classification: Uncertain significance for Cardiovascular phenotype. Last evaluated: 2024-09-08. Review status: criteria provided, single submitter. Criteria: Ambry Variant Classification Scheme 2023. Collection method: clinical testing. Allele origin: germline.

Labcorp Genetics (formerly Invitae), Labcorp
Classification: Uncertain significance for Cholestanol storage disease. Last evaluated: 2022-04-22. Review status: criteria provided, single submitter. Criteria: Invitae Variant Classification Sherloc (09022015). Collection method: clinical testing. Allele origin: germline.
Comment: This sequence change replaces tyrosine, which is neutral and polar, with histidine, which is basic and polar, at codon 210 of the CYP27A1 protein (p.Tyr210His). This variant is not present in population databases (gnomAD no frequency). This variant has not been reported in the literature in individuals affected with CYP27A1-related conditions. Algorithms developed to predict the effect of missense changes on protein structure and function (SIFT, PolyPhen-2, Align-GVGD) all suggest that this variant is likely to be disruptive. In summary, the available evidence is currently insufficient to determine the role of this variant in disease. Therefore, it has been classified as a Variant of Uncertain Significance.

NM_000784.4(CYP27A1):c.628T>C (p.Tyr210His)

Gene: CYP27A1 (cytochrome P450 family 27 subfamily A member 1; plus strand). Cytogenetic location: 2q35.
Variant type: single nucleotide variant.
Coding change: c.628T>C on transcript NM_000784.4 (MANE Select); coding-DNA position 628, T replaced by C.
Protein change: p.Tyr210His; replaces tyrosine 210 with histidine.
Molecular consequence: missense variant.
Genome position (GRCh38, 1-based): chr2:218,812,403, T>C. VCF-style: chr2-218812403-T-C. GRCh37 (hg19) VCF-style: chr2-219677126-T-C.
Other names: c.628T>C (NM_000784.3); short protein forms Y210H.
Identifiers: ClinVar variation 2162289 (VCV002162289.4), dbSNP rs2470226679, ClinGen allele CA350585586.
Genomic context (GRCh38, chr2:218,812,403, plus strand): 5'-GACCAGCTGCGGGCAGAGAGTGCTTCGGGGAACCAGGTGTCGGACATGGCTCAACTCTTC[T>C]ACTACTTTGCCTTGGAAGGTACCCTTGCTGGGAGAGGGGCTGGGGAAGGGAATGGGTCAG-3'
Protein context (NP_000775.1, residues 200-220): NQVSDMAQLF[Tyr210His]YFALEAICYI